The following is an entry in ClinVar:

ClinVar aggregate classification (germline): Uncertain significance. Review status: criteria provided, multiple submitters, no conflicts (2 of 4 stars). 2 submissions from 2 submitters: Uncertain significance (2). Last evaluated 2021-12-01.

Conditions:
Peroxisome biogenesis disorder 9B. Also called: PEX7-Related Refsum Disease; Refsum disease, adult, 2; PEROXISOME BIOGENESIS DISORDER, PEX7-RELATED, ATYPICAL. Identifiers: Orphanet 773, MedGen C2749346, MONDO:0013945, OMIM 614879.
Rhizomelic chondrodysplasia punctata type 1 (RCDP1). Also called: CHONDRODYSTROPHIA CALCIFICANS PUNCTATA; PEX7-Related Rhizomelic Chondrodysplasia Punctata; PEROXISOME BIOGENESIS DISORDER 9. Identifiers: Orphanet 177, Orphanet 309789, MedGen C1859133, MONDO:0008972, OMIM 215100. Disease mechanism: loss of function.
Refsum disease, classic. Also called: PHYH-Related Refsum Disease; HEREDOPATHIA ATACTICA POLYNEURITIFORMIS; HMSN IV; PHYTANIC ACID OXIDASE DEFICIENCY. Identifiers: Orphanet 773, MedGen C5780941, MONDO:1060256, OMIM 266500. Disease mechanism: loss of function.

Allele frequency attached by ClinVar (database versions not stated): gnomAD exomes below 0.00001; ExAC 0.00001.

Submissions (2):

Labcorp Genetics (formerly Invitae), Labcorp
Classification: Uncertain significance for Peroxisome biogenesis disorder 9B. Last evaluated: 2021-12-01. Review status: criteria provided, single submitter. Criteria: Invitae Variant Classification Sherloc (09022015). Collection method: clinical testing. Allele origin: germline.
Comment: This sequence change replaces valine, which is neutral and non-polar, with methionine, which is neutral and non-polar, at codon 129 of the PEX7 protein (p.Val129Met). This variant is present in population databases (rs746310218, gnomAD 0.0009%). This variant has not been reported in the literature in individuals affected with PEX7-related conditions. Algorithms developed to predict the effect of missense changes on protein structure and function are either unavailable or do not agree on the potential impact of this missense change (SIFT: "Tolerated"; PolyPhen-2: "Possibly Damaging"; Align-GVGD: "Class C0"). In summary, the available evidence is currently insufficient to determine the role of this variant in disease. Therefore, it has been classified as a Variant of Uncertain Significance.

Department of Pathology and Laboratory Medicine, Sinai Health System
Classification: Uncertain significance for Rhizomelic chondrodysplasia punctata type 1; Refsum disease, classic; Peroxisome biogenesis disorder 9B. Last evaluated: 2021-11-17. Review status: criteria provided, single submitter. Criteria: ACMG Guidelines, 2015. Collection method: research. Allele origin: germline.

NM_000288.4(PEX7):c.385G>A (p.Val129Met)

Gene: PEX7 (peroxisomal biogenesis factor 7; plus strand). Cytogenetic location: 6q23.3.
Variant type: single nucleotide variant.
Coding change: c.385G>A on transcript NM_000288.4 (MANE Select); coding-DNA position 385, G replaced by A.
Protein change: p.Val129Met; replaces valine 129 with methionine.
Molecular consequence: missense variant.
Genome position (GRCh38, 1-based): chr6:136,845,660, G>A. VCF-style: chr6-136845660-G-A. GRCh37 (hg19) VCF-style: chr6-137166798-G-A.
Other names: short protein forms V129M.
Identifiers: ClinVar variation 1447699 (VCV001447699.4), dbSNP rs746310218, ClinGen allele CA4017587.